The following is an entry in ClinVar:

ClinVar aggregate classification (germline): Uncertain significance. Review status: criteria provided, multiple submitters, no conflicts (2 of 4 stars). 8 submissions from 8 submitters: Uncertain significance (4). 4 of the submissions do not count toward it. Last evaluated 2026-10-05.

Conditions:
VPS13B-related disorder. Also called: VPS13B-related condition.
Inborn genetic diseases. Identifiers: MedGen C0950123, MeSH D030342.
Cohen syndrome (COH1). Also called: Cutis verticis gyrata, retinitis pigmentosa, and sensorineural deafness; PEPPER SYNDROME. Identifiers: Orphanet 193, MedGen C0265223, MONDO:0008999, OMIM 216550.

Allele frequency attached by ClinVar (database versions not stated): gnomAD exomes below 0.00001; TOPMed 0.00001.
gnomAD v4.1: 1 of 1,614,088 alleles (0.000062%); highest among the groups gnomAD compares: Non-Finnish European, 0.000085%; no homozygotes.

Submissions (8):

GeneDx
Classification: Uncertain significance. Last evaluated: 2026-10-05. Review status: criteria provided, single submitter. Criteria: GeneDx Variant Classification Process June 2021. Collection method: clinical testing. Allele origin: germline.
Comment: Functional studies have shown this variant results in expression levels, localization, and rescue pattern that is similar to wild-type (PMID: 35690661); Not observed at significant frequency in large population cohorts (gnomAD); In silico analysis suggests that this missense variant does not alter protein structure/function; This variant is associated with the following publications: (PMID: 35690661, 29985682, 15211651, 17383910, 19006247, 31825161, 20301655, 39352497)

Myriad Genetics, Inc.
Classification: Uncertain significance for Cohen syndrome. Last evaluated: 2026-03-17. Review status: criteria provided, single submitter. Criteria: Myriad Autosomal Dominant, Autosomal Recessive and X-Linked Classification Criteria (2023). Collection method: clinical testing. Allele origin: unknown.
Comment: NM_017890.4(VPS13B):c.8459T>C(I2820T) is a missense variant classified as a variant of uncertain significance in the context of Cohen syndrome. I2820T has been observed in cases with relevant disease (PMID: 15211651). Relevant functional assessments of this variant are available in the literature (PMID: 35690661). I2820T has not been observed in referenced population frequency databases. In summary, there is insufficient evidence to classify NM_017890.4(VPS13B):c.8459T>C(I2820T) as pathogenic or benign. Please note: this variant was assessed in the context of healthy population screening.

Labcorp Genetics (formerly Invitae), Labcorp
Classification: Uncertain significance for Cohen syndrome. Last evaluated: 2025-04-11. Review status: criteria provided, single submitter. Criteria: Invitae Variant Classification Sherloc (09022015). Collection method: clinical testing. Allele origin: germline.
Comment: This sequence change replaces isoleucine, which is neutral and non-polar, with threonine, which is neutral and polar, at codon 2820 of the VPS13B protein (p.Ile2820Thr). This variant is not present in population databases (gnomAD no frequency). This missense change has been observed in individual(s) with Cohen syndrome, and has been shown to co-segregate on the same chromosome with a known pathogenic variant (c.9260dup, also known as c.9258_9259insT) in the Old Order Amish population (PMID: 15211651, 17383910, 19006247). ClinVar contains an entry for this variant (Variation ID: 2827). Invitae Evidence Modeling of protein sequence and biophysical properties (such as structural, functional, and spatial information, amino acid conservation, physicochemical variation, residue mobility, and thermodynamic stability) indicates that this missense variant is not expected to disrupt VPS13B protein function with a negative predictive value of 80%. In summary, the available evidence is currently insufficient to determine the role of this variant in disease. Therefore, it has been classified as a Variant of Uncertain Significance.

Ambry Genetics
Classification: Uncertain significance for Inborn genetic diseases. Last evaluated: 2022-06-17. Review status: criteria provided, single submitter. Criteria: Ambry Variant Classification Scheme 2023. Collection method: clinical testing. Allele origin: germline.

PreventionGenetics, part of Exact Sciences
Classification: Uncertain significance for VPS13B-related condition. Last evaluated: 2024-04-29. Review status: no assertion criteria provided. Collection method: clinical testing. Allele origin: germline. Not counted in ClinVar's aggregate classification.
Comment: The VPS13B c.8384T>C variant is predicted to result in the amino acid substitution p.Ile2795Thr. This variant is also known as c.8459T>C in the literature. This variant has been reported in the homozygous state along with another homozygous loss-of-function variant (c.9185dupT) in multiple individuals with Cohen syndrome from the Ohio Geauga Amish community (Falk et al. 2004. PubMed ID: 15211651; Table 1, Taban et al. 2007. PubMed ID: 17383910; Li et al. 2018. PubMed ID: 29985682). This variant has not been reported in a large population database, indicating this variant is rare. Functional studies did not support the pathogenicity of this variant (Zorn et al. 2022. PubMed ID: 35690661). Although we suspect that this variant may be benign, the clinical significance of this variant is classified as uncertain at this time due to insufficient functional and genetic evidence.

Natera, Inc.
Classification: Uncertain significance for Cohen syndrome. Last evaluated: 2020-04-24. Review status: no assertion criteria provided. Collection method: clinical testing. Allele origin: germline. Not counted in ClinVar's aggregate classification.

OMIM
Classification: Pathogenic for COHEN SYNDROME. Last evaluated: 2004-07-01. Review status: no assertion criteria provided. Collection method: literature only. Allele origin: germline. Not counted in ClinVar's aggregate classification.

GeneReviews
No classification provided. Condition: Cohen syndrome. Review status: no classification provided. Collection method: literature only. Allele origin: germline. Affected: yes. Not counted in ClinVar's aggregate classification.

Literature cited by the submitters: PubMed 15211651 (cited by 4 submitters); PubMed 35690661 (cited by Myriad Genetics, Inc.); PubMed 17383910 (cited by Labcorp Genetics (formerly Invitae), Labcorp and Ambry Genetics); PubMed 19006247 (cited by Labcorp Genetics (formerly Invitae), Labcorp); NCBI Bookshelf NBK1482 (cited by GeneReviews).

NM_152564.5(VPS13B):c.8384T>C (p.Ile2795Thr)

Gene: VPS13B (vacuolar protein sorting 13 homolog B; plus strand). Cytogenetic location: 8q22.2.
Variant type: single nucleotide variant.
Coding change: c.8384T>C on transcript NM_152564.5 (MANE Select); coding-DNA position 8384, T replaced by C.
Protein change: p.Ile2795Thr; replaces isoleucine 2795 with threonine.
Molecular consequence: missense variant.
Genome position (GRCh38, 1-based): chr8:99,818,473, T>C. VCF-style: chr8-99818473-T-C. GRCh37 (hg19) VCF-style: chr8-100830701-T-C.
Other names: I2820T; c.8459T>C, p.Ile2820Thr (NM_017890.5); c.8459T>C (NM_017890.3); c.8384T>C (NM_152564.4); short protein forms I2795T.
Identifiers: ClinVar variation 2827 (VCV000002827.28), dbSNP rs120074155, ClinGen allele CA252457.